The following is an entry in ClinVar:

ClinVar aggregate classification (germline): Likely benign. Review status: criteria provided, multiple submitters, no conflicts (2 of 4 stars). 2 submissions from 2 submitters: Likely benign (2). Last evaluated 2023-11-18.

Conditions:
Familial sleep-related hypermotor epilepsy. Also called: Autosomal Dominant Sleep-Related Hypermotor (Hyperkinetic) Epilepsy. Identifiers: Orphanet 98784, MedGen C3696898, MONDO:0000030.

Allele frequency attached by ClinVar (database versions not stated): gnomAD 0.00001; gnomAD exomes 0.00001 and 0.00002; TOPMed 0.00001; ExAC 0.00002.
gnomAD v4.1: 13 of 1,613,886 alleles (0.00081%); highest among the groups gnomAD compares: Admixed American, 0.0017%; no homozygotes.

Submissions (2):

Labcorp Genetics (formerly Invitae), Labcorp
Classification: Likely benign. Last evaluated: 2023-11-18. Review status: criteria provided, single submitter. Criteria: Invitae Variant Classification Sherloc (09022015). Collection method: clinical testing. Allele origin: germline.

GeneDx
Classification: Likely benign. Last evaluated: 2017-08-10. Review status: criteria provided, single submitter. Criteria: GeneDx Variant Classification (06012015). Collection method: clinical testing. Allele origin: germline. Affected: yes.
Comment: This variant is considered likely benign or benign based on one or more of the following criteria: it is a conservative change, it occurs at a poorly conserved position in the protein, it is predicted to be benign by multiple in silico algorithms, and/or has population frequency not consistent with disease.

NM_000744.7(CHRNA4):c.567C>T (p.Ile189=)

Gene: CHRNA4 (cholinergic receptor nicotinic alpha 4 subunit; minus strand). Cytogenetic location: 20q13.33.
Variant type: single nucleotide variant.
Coding change: c.567C>T on transcript NM_000744.7 (MANE Select); coding-DNA position 567, C replaced by T.
Protein change: p.Ile189=; no amino-acid change (isoleucine 189 retained).
Molecular consequence: synonymous variant. On other transcripts: non-coding transcript variant (1).
Genome position (GRCh38, 1-based): chr20:63,350,844, G>A on the plus strand (C>T on the coding strand, the complement: CHRNA4 is on the minus strand). VCF-style: chr20-63350844-G-A. GRCh37 (hg19) VCF-style: chr20-61982196-G-A.
Other names: c.39C>T, p.Ile13= (NM_001256573.2).
Identifiers: ClinVar variation 506628 (VCV000506628.9), dbSNP rs758128052, ClinGen allele CA9957776.
Genomic context (GRCh38, chr20:63,350,844, plus strand): 5'-CCACTCGCCACTCTCCCAGAAGTCCAGCTGGTCCACGCGGCTGTGCATGTTCACCAGGTC[G>A]ATCTTGGCCTTGTCGTAGGTCCAGGAGCCGAATTTCATGGTGCAGTTCTGCTGGTCGAAG-3'
Protein context (NP_000735.1, residues 179-199): FGSWTYDKAK[Ile189=]DLVNMHSRVD